The following is an entry in ClinVar:

NM_001077365.2(POMT1):c.1919_1924del (p.Phe640_Leu641del)

Gene: POMT1 (protein O-mannosyltransferase 1; plus strand). Cytogenetic location: 9q34.13.
Variant type: Deletion.
Coding change: c.1919_1924del on transcript NM_001077365.2 (MANE Select); coding-DNA positions 1919 to 1924, 6 bases deleted (TCCTCT; older notation c.1919_1924delTCCTCT).
Protein change: p.Phe640_Leu641del.
Molecular consequence: non-coding transcript variant (on NR_148391.2).
Genome position (GRCh38, 1-based): chr9:131,522,140-131,522,145, TCCTCT deleted; deleting any 6 consecutive bases within chr9:131,522,136-131,522,145 gives the same sequence; the c. name uses the placement nearest the transcript's 3' end. VCF-style (leftmost placement, unchanged base first): chr9-131522135-ACTCTTC-A. GRCh37 (hg19) VCF-style: chr9-134397522-ACTCTTC-A.
Other names: c.1757_1762del, p.Phe586_Leu587del (NM_001077366.2, NM_001353194.2); c.1919_1924del, p.Phe640_Leu641del (NM_001136113.2); c.1568_1573del, p.Phe523_Leu524del (NM_001136114.2, NM_001353195.2, NM_001374691.1 and 2 more transcripts); c.1985_1990del, p.Phe662_Leu663del (NM_001353193.2, NM_007171.4); c.1829_1834del, p.Phe610_Leu611del (NM_001353196.2); c.1823_1828del, p.Phe608_Leu609del (NM_001353197.2, NM_001353198.2); c.1634_1639del, p.Phe545_Leu546del (NM_001353199.2); c.1463_1468del, p.Phe488_Leu489del (NM_001353200.2); and 4 more.
Identifiers: ClinVar variation 4055782 (VCV004055782.1).

ClinVar aggregate classification (germline): Likely pathogenic (1 of 4 stars; one submission).

Submission:

GeneDx
Classification: Likely pathogenic. Last evaluated: 2024-12-31. Review status: criteria provided, single submitter. Criteria: GeneDx Variant Classification Process June 2021. Collection method: clinical testing. Allele origin: germline. Affected: yes.
Comment: Not observed at significant frequency in large population cohorts (gnomAD); In-frame deletion of 2 amino acids in a non-repeat region; In silico analysis supports a deleterious effect on protein structure/function; Has not been previously published as pathogenic or benign to our knowledge